The following is an entry in ClinVar:

NM_000152.5(GAA):c.2040+69A>G

Gene: GAA (alpha glucosidase; plus strand). Cytogenetic location: 17q25.3.
Variant type: single nucleotide variant.
Coding change: c.2040+69A>G on transcript NM_000152.5 (MANE Select); 69 bases into the intron after coding-DNA position 2040, A replaced by G.
Molecular consequence: intron variant.
Genome position (GRCh38, 1-based): chr17:80,113,096, A>G. VCF-style: chr17-80113096-A-G. GRCh37 (hg19) VCF-style: chr17-78086895-A-G.
Other names: c.2040+69A>G (NM_001079803.3, NM_001079804.3, LRG_673t1).
Identifiers: ClinVar variation 551900 (VCV000551900.7), dbSNP rs2304834, ClinGen allele CA14455038.

ClinVar aggregate classification (germline): Benign. Review status: criteria provided, multiple submitters, no conflicts (2 of 4 stars). 4 submissions from 4 submitters: Benign (3). 1 of the submissions does not count toward it. Last evaluated 2026-07-01.

Conditions:
Glycogen storage disease, type II (IOPD). Also called: POMPE DISEASE, INFANTILE-ONSET; GLYCOGEN STORAGE DISEASE II, INFANTILE-ONSET; ACID ALPHA-GLUCOSIDASE DEFICIENCY, INFANTILE-ONSET; GAA DEFICIENCY, INFANTILE-ONSET; ACID MALTASE DEFICIENCY, INFANTILE-ONSET; CARDIOMEGALIA GLYCOGENICA DIFFUSA. Identifiers: Orphanet 365, MedGen C0017921, MONDO:0009290, OMIM 232300.

Allele frequency attached by ClinVar (database versions not stated): gnomAD 0.06010 and 0.06120; 1000 Genomes Project 30x 0.06293; gnomAD exomes 0.06602; TOPMed 0.06064; 1000 Genomes Project 0.06210.
gnomAD v4.1: 100,711 of 1,543,028 alleles (6.5%); highest among the groups gnomAD compares: Non-Finnish European, 6.9%; 3,429 homozygotes.

Submissions (4):

Genomenon, Inc
Classification: Benign for Glycogen storage disease, type II. Last evaluated: 2026-07-01. Review status: criteria provided, single submitter. Criteria: Genomenon Sequence Variant Interpretation Standards - Updated. Collection method: curation. Allele origin: germline. Affected: no.
Comment: GAA c.2040+69A>G is an intronic variant located in intron 14. This variant is present at high allele frequency in population databases. We classify GAA c.2040+69A>G as a benign variant.

Genome-Nilou Lab
Classification: Benign for Glycogen storage disease, type II. Last evaluated: 2021-06-10. Review status: criteria provided, single submitter. Criteria: ACMG Guidelines, 2015. Collection method: clinical testing. Allele origin: germline. Affected: no.

Breakthrough Genomics
Classification: Benign. Review status: criteria provided, single submitter. Criteria: ACMG Guidelines, 2015. Collection method: not provided. Allele origin: germline. Inheritance: Autosomal recessive inheritance. Affected: yes.

Counsyl
Classification: Benign for Glycogen storage disease, type II. Last evaluated: 2017-11-08. Review status: no assertion criteria provided. Collection method: clinical testing. Allele origin: unknown. Not counted in ClinVar's aggregate classification.